The following is an entry in ClinVar:

ClinVar aggregate classification (germline): Likely benign. Review status: criteria provided, multiple submitters, no conflicts (2 of 4 stars). 2 submissions from 2 submitters: Likely benign (2). Last evaluated 2026-06-08.

Conditions:
Hereditary pheochromocytoma and paraganglioma. Also called: Hereditary pheochromocytoma-paraganglioma; Hereditary paragangliomas and pheochromocytomas; Hereditary Paraganglioma-Pheochromocytoma Syndromes. Identifiers: Orphanet 29072, MedGen C4274332, MONDO:0017366.
Pheochromocytoma. Also called: MAX-Related Hereditary Paraganglioma-Pheochromocytoma Syndrome. Identifiers: Orphanet 29072, MedGen C0031511, MONDO:0008233, OMIM 171300, HP:0002666.

Allele frequency attached by ClinVar (database versions not stated): gnomAD 0.00001.

Submissions (2):

Myriad Genetics, Inc.
Classification: Likely benign for Pheochromocytoma. Last evaluated: 2026-06-08. Review status: criteria provided, single submitter. Criteria: Myriad Autosomal Dominant, Autosomal Recessive and X-Linked Classification Criteria (2023). Collection method: clinical testing. Allele origin: unknown.
Comment: This variant is considered likely benign. This variant is intronic and is not expected to impact mRNA splicing.

Labcorp Genetics (formerly Invitae), Labcorp
Classification: Likely benign for Hereditary pheochromocytoma and paraganglioma. Last evaluated: 2025-01-20. Review status: criteria provided, single submitter. Criteria: Invitae Variant Classification Sherloc (09022015). Collection method: clinical testing. Allele origin: germline.

NM_002382.5(MAX):c.172-7G>A

Gene: MAX (MYC associated transcriptional regulator X; minus strand). Cytogenetic location: 14q23.3.
Variant type: single nucleotide variant.
Coding change: c.172-7G>A on transcript NM_002382.5 (MANE Select); 7 bases into the intron before coding-DNA position 172, G replaced by A.
Molecular consequence: intron variant.
Genome position (GRCh38, 1-based): chr14:65,078,043, C>T on the plus strand (G>A on the coding strand, the complement: MAX is on the minus strand). VCF-style: chr14-65078043-C-T. GRCh37 (hg19) VCF-style: chr14-65544761-C-T.
Other names: c.144+15665G>A (NM_001271069.2); c.171+15665G>A (NM_197957.4); c.145-7G>A (NM_145112.3); c.-103-7G>A (NM_001320415.2); c.172-7G>A (NM_145113.3).
Identifiers: ClinVar variation 1138250 (VCV001138250.10), dbSNP rs1450450380, ClinGen allele CA614436680.
Genomic context (GRCh38, chr14:65,078,043, plus strand): 5'-TCGCATATACTGGATATATTCTGTGGCTTTGTCTAGGATTTGGGCCCGGGATGCCTGTGG[C>T]AATATGAGAAAAAGCACAGGGGACAAAATAAAAACCCAATCCAGGCAGTGAGGGAACCTG-3'